The following is an entry in ClinVar:

NM_014845.6(FIG4):c.136C>T (p.Pro46Ser)

Gene: FIG4 (FIG4 phosphoinositide 5-phosphatase; plus strand). Cytogenetic location: 6q21.
Variant type: single nucleotide variant.
Coding change: c.136C>T on transcript NM_014845.6 (MANE Select); coding-DNA position 136, C replaced by T.
Protein change: p.Pro46Ser; replaces proline 46 with serine.
Molecular consequence: missense variant.
Genome position (GRCh38, 1-based): chr6:109,715,147, C>T. VCF-style: chr6-109715147-C-T. GRCh37 (hg19) VCF-style: chr6-110036350-C-T.
Other names: c.136C>T (NM_014845.5); short protein forms P46S.
Identifiers: ClinVar variation 1441994 (VCV001441994.6), dbSNP rs1260601343, ClinGen allele CA365211508.

ClinVar aggregate classification (germline): Uncertain significance. Review status: criteria provided, multiple submitters, no conflicts (2 of 4 stars). 2 submissions from 2 submitters: Uncertain significance (2). Last evaluated 2026-03-25.

Conditions:
FIG4-related disorder. Also called: FIG4-related condition; FIG4-related disorders.
Charcot-Marie-Tooth disease type 4. Also called: Charcot-Marie-Tooth disease, type IV; Charcot-Marie-Tooth, Type 4. Identifiers: Orphanet 64749, MedGen C4082197, MONDO:0018995.

Allele frequency attached by ClinVar (database versions not stated): gnomAD exomes below 0.00001; TOPMed below 0.00001; gnomAD 0.00003.
gnomAD v4.1: 5 of 1,605,852 alleles (0.00031%); highest among the groups gnomAD compares: African/African-American, 0.0067%; no homozygotes.

Submissions (2):

PreventionGenetics, part of Exact Sciences
Classification: Uncertain significance for FIG4-related condition. Last evaluated: 2026-03-25. Review status: criteria provided, single submitter. Criteria: ACMG Guidelines, 2015. Collection method: clinical testing. Allele origin: germline.
Comment: The FIG4 c.136C>T variant is predicted to result in the amino acid substitution p.Pro46Ser. To our knowledge, this variant has not been reported in the literature. This variant is reported in 0.023% of alleles in individuals of African descent in gnomAD. At this time, the clinical significance of this variant is uncertain due to the absence of conclusive functional and genetic evidence.

Labcorp Genetics (formerly Invitae), Labcorp
Classification: Uncertain significance for Charcot-Marie-Tooth disease type 4. Last evaluated: 2024-11-05. Review status: criteria provided, single submitter. Criteria: Invitae Variant Classification Sherloc (09022015). Collection method: clinical testing. Allele origin: germline.
Comment: This sequence change replaces proline, which is neutral and non-polar, with serine, which is neutral and polar, at codon 46 of the FIG4 protein (p.Pro46Ser). This variant is present in population databases (no rsID available, gnomAD 0.02%). This variant has not been reported in the literature in individuals affected with FIG4-related conditions. ClinVar contains an entry for this variant (Variation ID: 1441994). An algorithm developed to predict the effect of missense changes on protein structure and function (PolyPhen-2) suggests that this variant¬†is likely to be tolerated. In summary, the available evidence is currently insufficient to determine the role of this variant in disease. Therefore, it has been classified as a Variant of Uncertain Significance.